The following is an entry in ClinVar:

ClinVar aggregate classification (germline): Conflicting classifications of pathogenicity. Review status: criteria provided, conflicting classifications (1 of 4 stars). 3 submissions from 3 submitters: Uncertain significance (2); Likely benign (1). Last evaluated 2025-03-05.

Conditions:
Breast-ovarian cancer, familial, susceptibility to, 2 (BROVCA2). Also called: BRCA2 Hereditary Breast and Ovarian Cancer. Identifiers: Orphanet 145, MedGen C2675520, MONDO:0012933, OMIM 612555. Disease mechanism: loss of function.
Hereditary breast ovarian cancer syndrome. Also called: Hereditary breast and ovarian cancer syndrome; Hereditary breast and ovarian cancer syndrome (HBOC); BRCA1- and BRCA2-Associated Hereditary Breast and Ovarian Cancer; Hereditary breast and ovarian cancer; Breast and ovarian cancer; Hereditary breast and/or ovarian cancer syndrome. Identifiers: Orphanet 145, MedGen C0677776, MeSH D061325, MONDO:0003582. Disease mechanism: loss of function.
Hereditary cancer-predisposing syndrome. Also called: Neoplastic Syndromes, Hereditary; Hereditary neoplastic syndrome; Tumor predisposition; Hereditary Cancer Syndrome. Identifiers: Orphanet 140162, MedGen C0027672, MeSH D009386, MONDO:0015356.

gnomAD v4.1: 2 of 1,614,158 alleles (0.00012%); highest among the groups gnomAD compares: South Asian, 0.0011%; no homozygotes.

Submissions (3):

Labcorp Genetics (formerly Invitae), Labcorp
Classification: Uncertain significance for Hereditary breast ovarian cancer syndrome. Last evaluated: 2025-03-05. Review status: criteria provided, single submitter. Criteria: Invitae Variant Classification Sherloc (09022015). Collection method: clinical testing. Allele origin: germline.
Comment: This sequence change replaces alanine, which is neutral and non-polar, with threonine, which is neutral and polar, at codon 3372 of the BRCA2 protein (p.Ala3372Thr). This variant is not present in population databases (gnomAD no frequency). This missense change has been observed in individual(s) with ovarian cancer (PMID: 34326862). ClinVar contains an entry for this variant (Variation ID: 531419). Invitae Evidence Modeling of protein sequence and biophysical properties (such as structural, functional, and spatial information, amino acid conservation, physicochemical variation, residue mobility, and thermodynamic stability) indicates that this missense variant is not expected to disrupt BRCA2 protein function with a negative predictive value of 95%. In summary, the available evidence is currently insufficient to determine the role of this variant in disease. Therefore, it has been classified as a Variant of Uncertain Significance.

Ambry Genetics
Classification: Likely benign for Hereditary cancer-predisposing syndrome. Last evaluated: 2023-06-11. Review status: criteria provided, single submitter. Criteria: Ambry Variant Classification Scheme 2023. Collection method: clinical testing. Allele origin: germline.

All of Us Research Program, National Institutes of Health
Classification: Uncertain significance for Breast-ovarian cancer, familial, susceptibility to, 2. Last evaluated: 2023-04-03. Review status: criteria provided, single submitter. Criteria: ACMG Guidelines, 2015. Collection method: clinical testing. Allele origin: germline. Inheritance: Autosomal dominant inheritance. Observed: 1 variant allele, 1 heterozygote.
Comment: This missense variant replaces alanine with threonine at codon 3372 of the BRCA2 protein. Computational prediction suggests that this variant may not impact protein structure and function (internally defined REVEL score threshold <= 0.5, PMID: 27666373). To our knowledge, functional studies have not been reported for this variant. This variant has not been reported in individuals affected with BRCA2-related disorders in the literature. This variant has not been identified in the general population by the Genome Aggregation Database (gnomAD). The available evidence is insufficient to determine the role of this variant in disease conclusively. Therefore, this variant is classified as a Variant of Uncertain Significance.

This study involves interpretation of variants in research participants for the purpose of population health screening. Participant phenotype was not available at the time of variant classification. Additional details can be found in publication PMID: 35346344, PMCID: PMC8962531

Literature cited by the submitters: PubMed 34326862 (cited by Labcorp Genetics (formerly Invitae), Labcorp).

NM_000059.4(BRCA2):c.10114G>A (p.Ala3372Thr)

Gene: BRCA2 (BRCA2 DNA repair associated; plus strand). Cytogenetic location: 13q13.1.
Variant type: single nucleotide variant.
Coding change: c.10114G>A on transcript NM_000059.4 (MANE Select); coding-DNA position 10114, G replaced by A.
Protein change: p.Ala3372Thr; replaces alanine 3372 with threonine.
Molecular consequence: missense variant.
Genome position (GRCh38, 1-based): chr13:32,398,627, G>A. VCF-style: chr13-32398627-G-A. GRCh37 (hg19) VCF-style: chr13-32972764-G-A.
Other names: short protein forms A3372T.
Identifiers: ClinVar variation 531419 (VCV000531419.11), dbSNP rs1555290046, ClinGen allele CA387768044.